The following is an entry in ClinVar:

ClinVar aggregate classification (germline): Likely pathogenic (1 of 4 stars; one submission).

Conditions:
Dilated cardiomyopathy 1G (CMD1G). Identifiers: Orphanet 154, MedGen C1858763, MONDO:0011400, OMIM 604145.
Autosomal recessive limb-girdle muscular dystrophy type 2J (LGMDR10). Also called: Limb-girdle muscular dystrophy, type 2J; MUSCULAR DYSTROPHY, LIMB-GIRDLE, AUTOSOMAL RECESSIVE 10. Identifiers: Orphanet 140922, MedGen C1837342, MONDO:0012127, OMIM 608807.

Submission:

Labcorp Genetics (formerly Invitae), Labcorp
Classification: Likely pathogenic for Dilated cardiomyopathy 1G; Autosomal recessive limb-girdle muscular dystrophy type 2J. Last evaluated: 2024-10-18. Review status: criteria provided, single submitter. Criteria: Invitae Variant Classification Sherloc (09022015). Collection method: clinical testing. Allele origin: germline.
Comment: This sequence change affects an acceptor splice site in intron 104 of the TTN gene. It is expected to disrupt RNA splicing and likely results in a truncated or disrupted TTN protein. This variant is not present in population databases (gnomAD no frequency). This variant has not been observed in the literature in individuals with autosomal recessive TTN-related conditions. This variant has been reported in individual(s) with dilated cardiomyopathy (internal data); however, the role of the variant in this condition is currently unclear. Algorithms developed to predict the effect of sequence changes on RNA splicing suggest that this variant may disrupt the consensus splice site. This variant is located in the I band of TTN (PMID: 25589632). Truncating variants in this region have been reported in individuals affected with autosomal recessive centronuclear myopathy (PMID: 23975875, internal data). Truncating variants in this region have also been identified in individuals affected with autosomal dominant dilated cardiomyopathy and/or cardio-related conditions (PMID: 27869827, 32964742, internal data). In summary, the currently available evidence indicates that the variant is pathogenic, but additional data are needed to prove that conclusively. Therefore, this variant has been classified as Likely Pathogenic.

Literature cited by the submitters: PubMed 25589632; PubMed 23975875; PubMed 27869827; PubMed 32964742.

NM_001267550.2(TTN):c.29695-1G>T

Gene: TTN (titin; minus strand). Cytogenetic location: 2q31.2.
Variant type: single nucleotide variant.
Coding change: c.29695-1G>T on transcript NM_001267550.2 (MANE Select); the canonical splice acceptor site of the intron before coding-DNA position 29695, G replaced by T.
Molecular consequence: splice acceptor variant. On other transcripts: intron variant (3).
Genome position (GRCh38, 1-based): chr2:178,704,778, C>A on the plus strand (G>T on the coding strand, the complement: TTN is on the minus strand). VCF-style: chr2-178704778-C-A. GRCh37 (hg19) VCF-style: chr2-179569505-C-A.
Other names: c.13282+33304G>T (NM_003319.4); c.13858+33304G>T (NM_133437.4); c.13657+33304G>T (NM_133432.3); c.25963-1G>T (NM_133378.4); c.28744-1G>T (NM_001256850.1).
Identifiers: ClinVar variation 2941574 (VCV002941574.3), dbSNP rs2475232041, ClinGen allele CA349579406.
Genomic context (GRCh38, chr2:178,704,778, plus strand): 5'-GACAGCATCATTATCTTTCAAAACTGTCTGATTTTCAATGTCCTTGATCAGAGTGACAGG[C>A]TAGGAGAATAAAGAATTAAAACACATTTGTTACTCCTTCCCTTATAATAATACTCAATAA-3'